The following is an entry in ClinVar:

ClinVar aggregate classification (germline): Uncertain significance (1 of 4 stars; one submission).

gnomAD v4.1: 6 of 1,064,554 alleles (0.00056%); highest among the groups gnomAD compares: African/African-American, 0.0017%; no homozygotes.

Submission:

Labcorp Genetics (formerly Invitae), Labcorp
Classification: Uncertain significance. Last evaluated: 2024-10-09. Review status: criteria provided, single submitter. Criteria: Invitae Variant Classification Sherloc (09022015). Collection method: clinical testing. Allele origin: germline.
Comment: This sequence change replaces glutamic acid, which is acidic and polar, with glutamine, which is neutral and polar, at codon 51 of the HTRA1 protein (p.Glu51Gln). This variant is not present in population databases (gnomAD no frequency). This variant has not been reported in the literature in individuals affected with HTRA1-related conditions. Invitae Evidence Modeling of protein sequence and biophysical properties (such as structural, functional, and spatial information, amino acid conservation, physicochemical variation, residue mobility, and thermodynamic stability) indicates that this missense variant is not expected to disrupt HTRA1 protein function with a negative predictive value of 95%. In summary, the available evidence is currently insufficient to determine the role of this variant in disease. Therefore, it has been classified as a Variant of Uncertain Significance.

NM_002775.5(HTRA1):c.151G>C (p.Glu51Gln)

Gene: HTRA1 (HtrA serine peptidase 1; plus strand). Cytogenetic location: 10q26.13.
Variant type: single nucleotide variant.
Coding change: c.151G>C on transcript NM_002775.5 (MANE Select); coding-DNA position 151, G replaced by C.
Protein change: p.Glu51Gln; replaces glutamic acid 51 with glutamine.
Molecular consequence: missense variant.
Genome position (GRCh38, 1-based): chr10:122,461,803, G>C. VCF-style: chr10-122461803-G-C. GRCh37 (hg19) VCF-style: chr10-124221319-G-C.
Other names: short protein forms E51Q.
Identifiers: ClinVar variation 3622238 (VCV003622238.2).
Genomic context (GRCh38, chr10:122,461,803, plus strand): 5'-GCGCCTTTGGCCGCCGGGTGCCCAGACCGCTGCGAGCCGGCGCGCTGCCCGCCGCAGCCG[G>C]AGCACTGCGAGGGCGGCCGGGCCCGGGACGCGTGCGGCTGCTGCGAGGTGTGCGGCGCGC-3'
Protein context (NP_002766.1, residues 41-61): CEPARCPPQP[Glu51Gln]HCEGGRARDA